The following is an entry in ClinVar:

NM_003482.4(KMT2D):c.7614C>G (p.Phe2538Leu)

Gene: KMT2D (lysine methyltransferase 2D; minus strand). Cytogenetic location: 12q13.12.
Variant type: single nucleotide variant.
Coding change: c.7614C>G on transcript NM_003482.4 (MANE Select); coding-DNA position 7614, C replaced by G.
Protein change: p.Phe2538Leu; replaces phenylalanine 2538 with leucine.
Molecular consequence: missense variant.
Genome position (GRCh38, 1-based): chr12:49,040,156, G>C on the plus strand (C>G on the coding strand, the complement: KMT2D is on the minus strand). VCF-style: chr12-49040156-G-C. GRCh37 (hg19) VCF-style: chr12-49433939-G-C.
Other names: short protein forms F2538L.
Identifiers: ClinVar variation 3635137 (VCV003635137.2).
Genomic context (GRCh38, chr12:49,040,156, plus strand): 5'-TGGCGGGAGACCAGGCTGAGGGACAGGGGGCTTTAGGGAAGGCTCCCCTACTGCCTGAGG[G>C]AAAGTGAAACGCATGGGAGAGGGGGTGCCCACAAATGCACCCGTCCCAGGGGACCGGACA-3'
Protein context (NP_003473.3, residues 2528-2548): VGTPSPMRFT[Phe2538Leu]PQAVGEPSLK

ClinVar aggregate classification (germline): Uncertain significance (1 of 4 stars; one submission).

Conditions:
Kabuki syndrome. Also called: NIIKAWA-KUROKI SYNDROME; Kabuki make-up syndrome. Identifiers: Orphanet 2322, MedGen C0796004, MONDO:0016512.

Submission:

Labcorp Genetics (formerly Invitae), Labcorp
Classification: Uncertain significance for Kabuki syndrome. Last evaluated: 2025-10-13. Review status: criteria provided, single submitter. Criteria: Invitae Variant Classification Sherloc (09022015). Collection method: clinical testing. Allele origin: germline.
Comment: This sequence change replaces phenylalanine, which is neutral and non-polar, with leucine, which is neutral and non-polar, at codon 2538 of the KMT2D protein (p.Phe2538Leu). This variant is not present in population databases (gnomAD no frequency). This variant has not been reported in the literature in individuals affected with KMT2D-related conditions. ClinVar contains an entry for this variant (Variation ID: 3635137). Invitae Evidence Modeling of protein sequence and biophysical properties (such as structural, functional, and spatial information, amino acid conservation, physicochemical variation, residue mobility, and thermodynamic stability) indicates that this missense variant is not expected to disrupt KMT2D protein function with a negative predictive value of 95%. In summary, the available evidence is currently insufficient to determine the role of this variant in disease. Therefore, it has been classified as a Variant of Uncertain Significance.